The following is an entry in ClinVar:

NM_032608.7(MYO18B):c.5866G>C (p.Glu1956Gln)

Gene: MYO18B (myosin XVIIIB; plus strand). Cytogenetic location: 22q12.1.
Variant type: single nucleotide variant.
Coding change: c.5866G>C on transcript NM_032608.7 (MANE Select); coding-DNA position 5866, G replaced by C.
Protein change: p.Glu1956Gln; replaces glutamic acid 1956 with glutamine.
Molecular consequence: missense variant.
Genome position (GRCh38, 1-based): chr22:25,952,319, G>C. VCF-style: chr22-25952319-G-C. GRCh37 (hg19) VCF-style: chr22-26348285-G-C.
Other names: c.5869G>C, p.Glu1957Gln (NM_001318245.2); short protein forms E1957Q, E1956Q.
Identifiers: ClinVar variation 1357730 (VCV001357730.5), dbSNP rs747042494, ClinGen allele CA10161315.
Genomic context (GRCh38, chr22:25,952,319, plus strand): 5'-TCCAATAGACTTCTCTCATACTTACAGCTGCAGGTGGCTCAGATGCGCATCGAGTACCTG[G>C]AACAGTCCACCGTGGATCGAGCCATCGTCAGCAGGCAGGAGGCGGTCATCTGTGACCTAG-3'
Protein context (NP_115997.5, residues 1946-1966): QVAQMRIEYL[Glu1956Gln]QSTVDRAIVS

ClinVar aggregate classification (germline): Uncertain significance (1 of 4 stars; one submission).

Allele frequency attached by ClinVar (database versions not stated): ExAC 0.00001; gnomAD 0.00001; gnomAD exomes 0.00001; TOPMed 0.00001.
gnomAD v4.1: 19 of 1,611,304 alleles (0.0012%); highest among the groups gnomAD compares: Non-Finnish European, 0.0016%; no homozygotes.

Submission:

Labcorp Genetics (formerly Invitae), Labcorp
Classification: Uncertain significance. Last evaluated: 2022-03-08. Review status: criteria provided, single submitter. Criteria: Invitae Variant Classification Sherloc (09022015). Collection method: clinical testing. Allele origin: germline.
Comment: This sequence change replaces glutamic acid, which is acidic and polar, with glutamine, which is neutral and polar, at codon 1956 of the MYO18B protein (p.Glu1956Gln). This variant is present in population databases (rs747042494, gnomAD 0.002%). This variant has not been reported in the literature in individuals affected with MYO18B-related conditions. Algorithms developed to predict the effect of missense changes on protein structure and function are either unavailable or do not agree on the potential impact of this missense change (SIFT: "Not Available"; PolyPhen-2: "Probably Damaging"; Align-GVGD: "Not Available"). In summary, the available evidence is currently insufficient to determine the role of this variant in disease. Therefore, it has been classified as a Variant of Uncertain Significance.